The following is an entry in ClinVar:

ClinVar aggregate classification (germline): Uncertain significance (1 of 4 stars; one submission).

Conditions:
DK1-congenital disorder of glycosylation. Also called: CDG Im; DK1 DEFICIENCY; DOLICHOL KINASE DEFICIENCY; CONGENITAL DISORDER OF GLYCOSYLATION, TYPE Im; DK1-CDG; DOLK-congenital disorder of glycosylation. Identifiers: Orphanet 91131, MedGen C1835849, MONDO:0012556, OMIM 610768.

Submission:

Labcorp Genetics (formerly Invitae), Labcorp
Classification: Uncertain significance for DK1-congenital disorder of glycosylation. Last evaluated: 2021-08-17. Review status: criteria provided, single submitter. Criteria: Invitae Variant Classification Sherloc (09022015). Collection method: clinical testing. Allele origin: germline.
Comment: In summary, the available evidence is currently insufficient to determine the role of this variant in disease. Therefore, it has been classified as a Variant of Uncertain Significance. This sequence change replaces phenylalanine with isoleucine at codon 189 of the DOLK protein (p.Phe189Ile). The phenylalanine residue is highly conserved and there is a small physicochemical difference between phenylalanine and isoleucine. This variant is not present in population databases (ExAC no frequency). This variant has not been reported in the literature in individuals affected with DOLK-related conditions. Algorithms developed to predict the effect of missense changes on protein structure and function are either unavailable or do not agree on the potential impact of this missense change (SIFT: "Deleterious"; PolyPhen-2: "Probably Damaging"; Align-GVGD: "Class C15").

NM_014908.4(DOLK):c.565T>A (p.Phe189Ile)

Gene: DOLK (dolichol kinase; minus strand). Cytogenetic location: 9q34.11.
Variant type: single nucleotide variant.
Coding change: c.565T>A on transcript NM_014908.4 (MANE Select); coding-DNA position 565, T replaced by A.
Protein change: p.Phe189Ile; replaces phenylalanine 189 with isoleucine.
Molecular consequence: missense variant.
Genome position (GRCh38, 1-based): chr9:128,946,739, A>T on the plus strand (T>A on the coding strand, the complement: DOLK is on the minus strand). VCF-style: chr9-128946739-A-T. GRCh37 (hg19) VCF-style: chr9-131709018-A-T.
Other names: short protein forms F189I.
Identifiers: ClinVar variation 1365150 (VCV001365150.6), dbSNP rs2131128464, ClinGen allele CA375125055.
Genomic context (GRCh38, chr9:128,946,739, plus strand): 5'-TGAGCTGGTTGAGGACAAAGCTAATGCCACCCAATACCAGCAGTGCCTCACCAGGGGTGA[A>T]GCAGCGGGGCAGCAGGTACAGCAGGATCATGTTGAGATAAACGAAGATCAGAAGGACTTC-3'
Protein context (NP_055723.1, residues 179-199): MILLYLLPRC[Phe189Ile]TPGEALLVLG